The following is an entry in ClinVar:

ClinVar aggregate classification (germline): Uncertain significance (1 of 4 stars; one submission).

Conditions:
Inflammatory bowel disease 25. Also called: Inflammatory bowel disease 25, early onset, autosomal recessive. Identifiers: Orphanet 238569, MedGen C2675508, MONDO:0012941, OMIM 612567.

Submission:

Labcorp Genetics (formerly Invitae), Labcorp
Classification: Uncertain significance for Inflammatory bowel disease 25. Last evaluated: 2024-04-05. Review status: criteria provided, single submitter. Criteria: Invitae Variant Classification Sherloc (09022015). Collection method: clinical testing. Allele origin: germline.
Comment: This sequence change replaces glutamic acid, which is acidic and polar, with glutamine, which is neutral and polar, at codon 92 of the IL10RB protein (p.Glu92Gln). This variant is not present in population databases (gnomAD no frequency). This variant has not been reported in the literature in individuals affected with IL10RB-related conditions. ClinVar contains an entry for this variant (Variation ID: 1490134). Advanced modeling of protein sequence and biophysical properties (such as structural, functional, and spatial information, amino acid conservation, physicochemical variation, residue mobility, and thermodynamic stability) performed at Invitae indicates that this missense variant is not expected to disrupt IL10RB protein function with a negative predictive value of 80%. In summary, the available evidence is currently insufficient to determine the role of this variant in disease. Therefore, it has been classified as a Variant of Uncertain Significance.

NM_000628.5(IL10RB):c.274G>C (p.Glu92Gln)

Genes: IFNAR2-IL10RB (IFNAR2-IL10RB readthrough; plus strand), IL10RB (interleukin 10 receptor subunit beta; plus strand). Cytogenetic location: 21q22.11.
Variant type: single nucleotide variant.
Coding change: c.274G>C on transcript NM_000628.5 (MANE Select); coding-DNA position 274, G replaced by C.
Protein change: p.Glu92Gln; replaces glutamic acid 92 with glutamine.
Molecular consequence: missense variant.
Genome position (GRCh38, 1-based): chr21:33,276,696, G>C. VCF-style: chr21-33276696-G-C. GRCh37 (hg19) VCF-style: chr21-34649001-G-C.
Other names: short protein forms E92Q.
Identifiers: ClinVar variation 1490134 (VCV001490134.8), dbSNP rs2123573879, ClinGen allele CA410108922.